The following is an entry in ClinVar:

ClinVar aggregate classification (germline): Benign/Likely benign. Review status: criteria provided, multiple submitters, no conflicts (2 of 4 stars). 2 submissions from 2 submitters: Benign (1); Likely benign (1). Last evaluated 2025-08-07.

Conditions:
Breast-ovarian cancer, familial, susceptibility to, 4. Identifiers: Orphanet 145, MedGen C3280345, MONDO:0013669, OMIM 614291.

Submissions (2):

Labcorp Genetics (formerly Invitae), Labcorp
Classification: Likely benign for Breast-ovarian cancer, familial, susceptibility to, 4. Last evaluated: 2025-08-07. Review status: criteria provided, single submitter. Criteria: Invitae Variant Classification Sherloc (09022015). Collection method: clinical testing. Allele origin: germline.

Myriad Genetics, Inc.
Classification: Benign for Breast-ovarian cancer, familial, susceptibility to, 4. Last evaluated: 2025-02-20. Review status: criteria provided, single submitter. Criteria: Myriad Autosomal Dominant, Autosomal Recessive and X-Linked Classification Criteria (2023). Collection method: clinical testing. Allele origin: unknown.
Comment: This variant is considered benign. This variant is a silent/synonymous amino acid change and it is not expected to impact splicing.

NM_002878.4(RAD51D):c.160A>C (p.Arg54=)

Genes: RAD51L3-RFFL (RAD51L3-RFFL readthrough; minus strand), RAD51D (RAD51 paralog D; minus strand). Cytogenetic location: 17q12.
Variant type: single nucleotide variant.
Coding change: c.160A>C on transcript NM_002878.4 (MANE Select); coding-DNA position 160, A replaced by C.
Protein change: p.Arg54=; no amino-acid change (arginine 54 retained).
Molecular consequence: synonymous variant. On other transcripts: intron variant (2).
Genome position (GRCh38, 1-based): chr17:35,118,604, T>G on the plus strand (A>C on the coding strand, the complement: RAD51D is on the minus strand). VCF-style: chr17-35118604-T-G. GRCh37 (hg19) VCF-style: chr17-33445623-T-G.
Other names: c.144+507A>C (NM_133629.3, NM_001142571.2).
Identifiers: ClinVar variation 3671982 (VCV003671982.3).
Genomic context (GRCh38, chr17:35,118,604, plus strand): 5'-CCTCGTAGAGATCAGCGCCATTCACGGGGAAAGCCGAGAACTGAGCCAGCAGCACCCGCC[T>G]CAGGGCAACCAGGGCCTGCCAAAGGGCCCCAGACTGCTCAGCAACAAATTGCCCGTAGAA-3'
Protein context (NP_002869.3, residues 44-64): GLSYKALVAL[Arg54=]RVLLAQFSAF